The following is an entry in ClinVar:

NM_031844.3(HNRNPU):c.479A>T (p.Glu160Val)

Gene: HNRNPU (heterogeneous nuclear ribonucleoprotein U; minus strand). Cytogenetic location: 1q44.
Variant type: single nucleotide variant.
Coding change: c.479A>T on transcript NM_031844.3 (MANE Select); coding-DNA position 479, A replaced by T.
Protein change: p.Glu160Val; replaces glutamic acid 160 with valine.
Molecular consequence: missense variant.
Genome position (GRCh38, 1-based): chr1:244,863,829, T>A on the plus strand (A>T on the coding strand, the complement: HNRNPU is on the minus strand). VCF-style: chr1-244863829-T-A. GRCh37 (hg19) VCF-style: chr1-245027131-T-A.
Other names: c.479A>T, p.Glu160Val (NM_004501.3); short protein forms E160V.
Identifiers: ClinVar variation 3026641 (VCV003026641.22), dbSNP rs2527894888, ClinGen allele CA345496915.
Genomic context (GRCh38, chr1:244,863,829, plus strand): 5'-GCGGCCCCGCGCTGCTGTTGGGGCTGTTGCTGCTGCGTCGCCGGCGGTTGAGGCTGCTGC[T>A]CCCCGTGCCCGTTCTCGTCGCCCGCGCCTTCCTCTTCGTCCCCGAGCTCATCTTCCCCTT-3'
Protein context (NP_114032.2, residues 150-170): EGAGDENGHG[Glu160Val]QQPQPPATQQ

ClinVar aggregate classification (germline): Uncertain significance (1 of 4 stars; one submission).

Submission:

CeGaT Center for Human Genetics Tuebingen
Classification: Uncertain significance. Last evaluated: 2023-12-01. Review status: criteria provided, single submitter. Criteria: CeGaT Center For Human Genetics Tuebingen Variant Classification Criteria Version 2. Collection method: clinical testing. Allele origin: germline. Affected: yes. Observed: 1 variant allele.
Comment: HNRNPU: PM2, BP5